The following is an entry in ClinVar:

NM_001042492.3(NF1):c.3098_3113del (p.Gln1033fs)

Gene: NF1 (neurofibromin 1; plus strand). Cytogenetic location: 17q11.2.
Variant type: Deletion.
Coding change: c.3098_3113del on transcript NM_001042492.3 (MANE Select); coding-DNA positions 3098 to 3113, 16 bases deleted (AAGAGATGAAATTTAG).
Protein change: p.Gln1033fs; shifts the reading frame from glutamine 1033.
Molecular consequence: frameshift variant.
Genome position (GRCh38, 1-based): chr17:31,230,367-31,230,382, AAGAGATGAAATTTAG deleted. VCF-style (leftmost placement, unchanged base first): chr17-31230366-CAAGAGATGAAATTTAG-C. GRCh37 (hg19) VCF-style: chr17-29557384-CAAGAGATGAAATTTAG-C.
Other names: c.3098_3113del16, p.Gln1033Argfs (NM_000267.4); short protein forms Q1033fs.
Identifiers: ClinVar variation 2753665 (VCV002753665.3), dbSNP rs2508207106, ClinGen allele CA2697559777.

ClinVar aggregate classification (germline): Pathogenic (1 of 4 stars; one submission).

Conditions:
Neurofibromatosis, type 1 (NF1). Also called: VON RECKLINGHAUSEN DISEASE; NEUROFIBROMATOSIS, TYPE I, SOMATIC; Peripheral type neurofibromatosis; Neurofibromatosis, type I. Identifiers: Orphanet 636, MedGen C0027831, MONDO:0018975, OMIM 162200. Disease mechanism: loss of function.

Submission:

Labcorp Genetics (formerly Invitae), Labcorp
Classification: Pathogenic for Neurofibromatosis, type 1. Last evaluated: 2023-08-18. Review status: criteria provided, single submitter. Criteria: Invitae Variant Classification Sherloc (09022015). Collection method: clinical testing. Allele origin: germline.
Comment: This sequence change creates a premature translational stop signal (p.Gln1033Argfs*5) in the NF1 gene. It is expected to result in an absent or disrupted protein product. Loss-of-function variants in NF1 are known to be pathogenic (PMID: 10712197, 23913538). This variant is not present in population databases (gnomAD no frequency). This variant has not been reported in the literature in individuals affected with NF1-related conditions. For these reasons, this variant has been classified as Pathogenic.

Literature cited by the submitters: PubMed 10712197; PubMed 23913538.